The following is an entry in ClinVar:

ClinVar aggregate classification (germline): Uncertain significance (1 of 4 stars; one submission).

Conditions:
Jeune thoracic dystrophy. Also called: Jeune syndrome; Infantile thoracic dystrophy; Thoracic pelvic phalangeal dystrophy; Jeune's syndrome; Chondroectodermal dysplasia-like syndrome; Short-rib thoracic dysplasia. Identifiers: Orphanet 474, MedGen C0265275, MONDO:0018770.

Allele frequency attached by ClinVar (database versions not stated): gnomAD exomes below 0.00001; TOPMed below 0.00001.
gnomAD v4.1: 1 of 1,613,166 alleles (0.000062%); highest among the groups gnomAD compares: Non-Finnish European, 0.000085%; no homozygotes.

Submission:

Labcorp Genetics (formerly Invitae), Labcorp
Classification: Uncertain significance for Jeune thoracic dystrophy. Last evaluated: 2022-09-12. Review status: criteria provided, single submitter. Criteria: Invitae Variant Classification Sherloc (09022015). Collection method: clinical testing. Allele origin: germline.
Comment: In summary, the available evidence is currently insufficient to determine the role of this variant in disease. Therefore, it has been classified as a Variant of Uncertain Significance. Advanced modeling of protein sequence and biophysical properties (such as structural, functional, and spatial information, amino acid conservation, physicochemical variation, residue mobility, and thermodynamic stability) performed at Invitae indicates that this missense variant is not expected to disrupt IFT80 protein function. ClinVar contains an entry for this variant (Variation ID: 1045218). This variant has not been reported in the literature in individuals affected with IFT80-related conditions. This variant is not present in population databases (gnomAD no frequency). This sequence change replaces serine, which is neutral and polar, with asparagine, which is neutral and polar, at codon 565 of the IFT80 protein (p.Ser565Asn).

NM_020800.3(IFT80):c.1694G>A (p.Ser565Asn)

Genes: IFT80 (intraflagellar transport 80; minus strand), TRIM59-IFT80 (TRIM59-IFT80 readthrough (NMD candidate); minus strand). Cytogenetic location: 3q25.33.
Variant type: single nucleotide variant.
Coding change: c.1694G>A on transcript NM_020800.3 (MANE Select); coding-DNA position 1694, G replaced by A.
Protein change: p.Ser565Asn; replaces serine 565 with asparagine.
Molecular consequence: missense variant. On other transcripts: non-coding transcript variant (3).
Genome position (GRCh38, 1-based): chr3:160,279,335, C>T on the plus strand (G>A on the coding strand, the complement: IFT80 is on the minus strand). VCF-style: chr3-160279335-C-T. GRCh37 (hg19) VCF-style: chr3-159997123-C-T.
Other names: c.1283G>A, p.Ser428Asn (NM_001190241.2, NM_001190242.2); short protein forms S428N, S565N.
Identifiers: ClinVar variation 1045218 (VCV001045218.8), dbSNP rs1714507782, ClinGen allele CA355191035.